The following is an entry in ClinVar:

NM_000380.4(XPA):c.666dup (p.Val223fs)

Gene: XPA (XPA, DNA damage recognition and repair factor; minus strand). Cytogenetic location: 9q22.33.
Variant type: Duplication.
Coding change: c.666dup on transcript NM_000380.4 (MANE Select); coding-DNA position 666, one base duplicated (A; older notation c.666dupA).
Protein change: p.Val223fs; shifts the reading frame from valine 223.
Molecular consequence: frameshift variant. On other transcripts: non-coding transcript variant (5).
Genome position (GRCh38, 1-based): chr9:97,684,930, T duplicated on the plus strand (A on the coding strand, the reverse complement: XPA is on the minus strand); the first of 6 consecutive T bases (chr9:97,684,930-97,684,935); duplicating any one gives the same sequence. VCF-style (leftmost placement, unchanged base first): chr9-97684929-C-CT. GRCh37 (hg19) VCF-style: chr9-100447211-C-CT.
Other names: c.540dup, p.Val181fs (NM_001354975.2); c.666dupA (NM_000380.3); short protein forms V181fs, V223fs.
Identifiers: ClinVar variation 553445 (VCV000553445.12), dbSNP rs1554701103, ClinGen allele CA658821482.
Genomic context (GRCh38, chr9:97,684,929, plus strand): 5'-TTTTTGCAAAATGGTAAAACACAATCCTTCACGATATAAAATGTGGCCATCTACCTTTTA[C>CT]TTTTTTATCAAATTTCTTCTGTTTCATTTTTTCTCGGTTTTCCTGTCGGACTTCCTTTGC-3'

ClinVar aggregate classification (germline): Pathogenic/Likely pathogenic. Review status: criteria provided, multiple submitters, no conflicts (2 of 4 stars). 3 submissions from 3 submitters: Pathogenic (1); Likely pathogenic (1). 1 of the submissions does not count toward it. Last evaluated 2024-02-03.

Conditions:
Xeroderma pigmentosum group A (XPA). Also called: XPA-Related Xeroderma Pigmentosum; Xeroderma pigmentosum, complementation group A; XP, group A. Identifiers: Orphanet 910, MedGen C0268135, MONDO:0010210, OMIM 278700.
Xeroderma pigmentosum (XP). Identifiers: Orphanet 910, MedGen C0043346, MONDO:0019600.

Submissions (3):

Labcorp Genetics (formerly Invitae), Labcorp
Classification: Pathogenic. Last evaluated: 2024-02-03. Review status: criteria provided, single submitter. Criteria: Invitae Variant Classification Sherloc (09022015). Collection method: clinical testing. Allele origin: germline.
Comment: This sequence change creates a premature translational stop signal (p.Val223Serfs*23) in the XPA gene. While this is not anticipated to result in nonsense mediated decay, it is expected to disrupt the last 51 amino acid(s) of the XPA protein. This variant is not present in population databases (gnomAD no frequency). This premature translational stop signal has been observed in individual(s) with mild clinical features of xeroderma pigmentosum (PMID: 8541864). ClinVar contains an entry for this variant (Variation ID: 553445). This variant disrupts a region of the XPA protein in which other variant(s) (p.Arg228*) have been determined to be pathogenic (PMID: 8105686, 26743599, 29208038). This suggests that this is a clinically significant region of the protein, and that variants that disrupt it are likely to be disease-causing. For these reasons, this variant has been classified as Pathogenic.

Women's Health and Genetics/Laboratory Corporation of America, LabCorp
Classification: Likely pathogenic for Xeroderma pigmentosum. Last evaluated: 2018-06-08. Review status: criteria provided, single submitter. Criteria: LabCorp Variant Classification Summary - May 2015. Collection method: clinical testing. Allele origin: germline.
Comment: Variant summary: XPA c.666dupA (p.Val223SerfsX23) results in a premature termination codon, predicted to cause a truncation of the encoded protein or absence of the protein due to nonsense mediated decay, which are commonly known mechanisms for disease. The variant was absent in 245964 control chromosomes (gnomAD). The variant, c.666dupA, has been reported in the literature in individuals affected with Xeroderma Pigmentosum (Cleaver_1999). These data indicate that the variant may be associated with disease. To our knowledge, no experimental evidence demonstrating an impact on protein function has been reported. No clinical diagnostic laboratories have submitted clinical-significance assessments for this variant to ClinVar after 2014. Based on the evidence outlined above, the variant was classified as likely pathogenic.

Counsyl
Classification: Likely pathogenic for Xeroderma pigmentosum group A. Last evaluated: 2017-08-25. Review status: no assertion criteria provided. Collection method: clinical testing. Allele origin: unknown. Not counted in ClinVar's aggregate classification.

Literature cited by the submitters: PubMed 8541864 (cited by Labcorp Genetics (formerly Invitae), Labcorp); PubMed 8105686 (cited by Labcorp Genetics (formerly Invitae), Labcorp); PubMed 26743599 (cited by Labcorp Genetics (formerly Invitae), Labcorp); PubMed 29208038 (cited by Labcorp Genetics (formerly Invitae), Labcorp); PubMed 9671271 (cited by Women's Health and Genetics/Laboratory Corporation of America, LabCorp and Counsyl); PubMed 7876263 (cited by Counsyl).